The following is an entry in ClinVar:

ClinVar aggregate classification (germline): Pathogenic (1 of 4 stars; one submission).

Conditions:
X-linked agammaglobulinemia with growth hormone deficiency (IGHD3). Also called: FLEISHER SYNDROME; HYPOGAMMAGLOBULINEMIA AND ISOLATED GROWTH HORMONE DEFICIENCY, X-LINKED; IGHD III; ISOLATED GROWTH HORMONE DEFICIENCY, TYPE III, WITH AGAMMAGLOBULINEMIA; AGAMMAGLOBULINEMIA AND ISOLATED GROWTH HORMONE DEFICIENCY, X-LINKED; Isolated growth hormone deficiency type 3. Identifiers: Orphanet 231692, Orphanet 631, MedGen C0472813, MONDO:0010615, OMIM 307200.

Submission:

Labcorp Genetics (formerly Invitae), Labcorp
Classification: Pathogenic for X-linked agammaglobulinemia with growth hormone deficiency. Last evaluated: 2023-10-13. Review status: criteria provided, single submitter. Criteria: Invitae Variant Classification Sherloc (09022015). Collection method: clinical testing. Allele origin: germline.
Comment: This sequence change replaces phenylalanine, which is neutral and non-polar, with serine, which is neutral and polar, at codon 644 of the BTK protein (p.Phe644Ser). This variant is not present in population databases (gnomAD no frequency). This missense change has been observed in individuals with X-linked recessive agammaglobulinemia (PMID: 8695804, 32552675). It has also been observed to segregate with disease in related individuals. ClinVar contains an entry for this variant (Variation ID: 1358012). Advanced modeling of protein sequence and biophysical properties (such as structural, functional, and spatial information, amino acid conservation, physicochemical variation, residue mobility, and thermodynamic stability) performed at Invitae indicates that this missense variant is expected to disrupt BTK protein function. Studies have shown that this missense change alters BTK gene expression (PMID: 8695804). This variant disrupts the p.Phe644 amino acid residue in BTK. Other variant(s) that disrupt this residue have been determined to be pathogenic (PMID: 8695804, 19419768, 32552675). This suggests that this residue is clinically significant, and that variants that disrupt this residue are likely to be disease-causing. For these reasons, this variant has been classified as Pathogenic.

Literature cited by the submitters: PubMed 8695804; PubMed 32552675; PubMed 19419768.

NM_000061.3(BTK):c.1931T>C (p.Phe644Ser)

Gene: BTK (Bruton tyrosine kinase; minus strand). Cytogenetic location: Xq22.1.
Variant type: single nucleotide variant.
Coding change: c.1931T>C on transcript NM_000061.3 (MANE Select); coding-DNA position 1931, T replaced by C.
Protein change: p.Phe644Ser; replaces phenylalanine 644 with serine.
Molecular consequence: missense variant.
Genome position (GRCh38, 1-based): chrX:101,349,934, A>G on the plus strand (T>C on the coding strand, the complement: BTK is on the minus strand). VCF-style: chrX-101349934-A-G. GRCh37 (hg19) VCF-style: chrX-100604922-A-G.
Other names: c.2033T>C, p.Phe678Ser (NM_001287344.2); c.1403T>C, p.Phe468Ser (NM_001287345.2); short protein forms F468S, F644S, F678S.
Identifiers: ClinVar variation 1358012 (VCV001358012.8), dbSNP rs2147419969, ClinGen allele CA413917688.
Genomic context (GRCh38, chrX:101,349,934, plus strand): 5'-TATTGGCGAGCTCAGGATTCTTCATCCATGACATCTAGAATATTGCTCAGAAGAATTTTG[A>G]AAGTGGGACGCTCATCTGCTTTCTAAAACCAAAGAAAAAGTAAAGTGTTAGAGTGGCTAG-3'
Protein context (NP_000052.1, residues 634-654): WHEKADERPT[Phe644Ser]KILLSNILDV